The following is an entry in ClinVar:

ClinVar aggregate classification (germline): Pathogenic (1 of 4 stars; one submission).

Conditions:
Craniofacial microsomia 1 (CFM1). Also called: Hemifacial microsomia. Identifiers: Orphanet 374, MedGen C3495417, MONDO:0958175, OMIM 164210.

gnomAD v4.1: 1 of 1,567,034 alleles (0.000064%); highest among the groups gnomAD compares: African/African-American, 0.0014%; no homozygotes.

Submission:

Juno Genomics, Hangzhou Juno Genomics, Inc
Classification: Pathogenic for Craniofacial microsomia 1. Review status: criteria provided, single submitter. Criteria: ACMG Guidelines, 2015. Collection method: clinical testing. Allele origin: germline. Affected: yes.
Comment: Null variant in a gene where loss of function (LOF) is a known mechanism of disease.;Absent from controls (or at extremely low frequency if recessive) in Genome Aggregation Database, Exome Sequencing Project, 1000 Genomes Project, or Exome Aggregation Consortium.;Assumed de novo, but without confirmation of paternity and maternity.

NM_006842.3(SF3B2):c.180+2T>C

Gene: SF3B2 (splicing factor 3b subunit 2; plus strand). Cytogenetic location: 11q13.1.
Variant type: single nucleotide variant.
Coding change: c.180+2T>C on transcript NM_006842.3 (MANE Select); the canonical splice donor site of the intron after coding-DNA position 180, T replaced by C.
Molecular consequence: splice donor variant.
Genome position (GRCh38, 1-based): chr11:66,052,721, T>C. VCF-style: chr11-66052721-T-C. GRCh37 (hg19) VCF-style: chr11-65820192-T-C.
Identifiers: ClinVar variation 3383153 (VCV003383153.2).
Genomic context (GRCh38, chr11:66,052,721, plus strand): 5'-TTTGCCCTGCAGGTAATCGCGAGGAGCTGGTGGAGCGGCTGCAGAGCTACACCCGCCAGG[T>C]AGGTGTTGGCGGCGGGACGTCAGGATAGGCCGAGCTTCTCCAGGAGACCTTATATACCCC-3'